The following is an entry in ClinVar:

NM_003242.6(TGFBR2):c.1398A>G (p.Glu466=)

Gene: TGFBR2 (transforming growth factor beta receptor 2; plus strand). Cytogenetic location: 3p24.1.
Variant type: single nucleotide variant.
Coding change: c.1398A>G on transcript NM_003242.6 (MANE Select); coding-DNA position 1398, A replaced by G.
Protein change: p.Glu466=; no amino-acid change (glutamic acid 466 retained).
Molecular consequence: synonymous variant. On other transcripts: splice acceptor variant (2).
Genome position (GRCh38, 1-based): chr3:30,688,385, A>G. VCF-style: chr3-30688385-A-G. GRCh37 (hg19) VCF-style: chr3-30729877-A-G.
Other names: c.1473A>G, p.Glu491= (NM_001024847.3); c.1581A>G, p.Glu527= (NM_001407126.1); c.1506A>G, p.Glu502= (NM_001407127.1); c.1425A>G, p.Glu475= (NM_001407128.1); c.1401A>G, p.Glu467= (NM_001407129.1); c.1293A>G, p.Glu431= (NM_001407132.1, NM_001407133.1, NM_001407134.1 and 2 more transcripts); c.1113A>G, p.Glu371= (NM_001407137.1); c.1038A>G, p.Glu346= (NM_001407138.1); and 3 more.
Identifiers: ClinVar variation 2416067 (VCV002416067.18), dbSNP rs2125451573, ClinGen allele CA432917792.

ClinVar aggregate classification (germline): Likely benign. Review status: criteria provided, multiple submitters, no conflicts (2 of 4 stars). 3 submissions from 3 submitters: Likely benign (3). Last evaluated 2025-05-01.

Conditions:
Familial thoracic aortic aneurysm and aortic dissection (TAAD). Also called: Thoracic aortic aneurysms and dissections. Identifiers: Orphanet 91387, MedGen C4707243, MONDO:0019625.

Allele frequency attached by ClinVar (database versions not stated): gnomAD exomes 0.00001.
gnomAD v4.1: 8 of 1,614,182 alleles (0.0005%); highest among the groups gnomAD compares: Non-Finnish European, 0.00068%; no homozygotes.

Submissions (3):

CeGaT Center for Human Genetics Tuebingen
Classification: Likely benign. Last evaluated: 2025-05-01. Review status: criteria provided, single submitter. Criteria: CeGaT Center For Human Genetics Tuebingen Variant Classification Criteria Version 2. Collection method: clinical testing. Allele origin: germline. Affected: yes. Observed: 1 variant allele.
Comment: TGFBR2: BP4, BP7

Labcorp Genetics (formerly Invitae), Labcorp
Classification: Likely benign for Familial thoracic aortic aneurysm and aortic dissection. Last evaluated: 2024-06-21. Review status: criteria provided, single submitter. Criteria: Invitae Variant Classification Sherloc (09022015). Collection method: clinical testing. Allele origin: germline.

Ambry Genetics
Classification: Likely benign for Familial thoracic aortic aneurysm and aortic dissection. Last evaluated: 2023-11-09. Review status: criteria provided, single submitter. Criteria: Ambry Variant Classification Scheme 2023. Collection method: clinical testing. Allele origin: germline.